The following is an entry in ClinVar:

ClinVar aggregate classification (germline): Uncertain significance (1 of 4 stars; one submission).

Conditions:
Ullrich congenital muscular dystrophy 2 (UCMD2). Identifiers: Orphanet 75840, MedGen C4225314, MONDO:0014654, OMIM 616470.
Bethlem myopathy 2 (BTHLM2). Identifiers: Orphanet 536516, Orphanet 610, MedGen C4225313, MONDO:0034022, OMIM 616471.

Submission:

Labcorp Genetics (formerly Invitae), Labcorp
Classification: Uncertain significance for Bethlem myopathy 2; Ullrich congenital muscular dystrophy 2. Last evaluated: 2025-10-14. Review status: criteria provided, single submitter. Criteria: Invitae Variant Classification Sherloc (09022015). Collection method: clinical testing. Allele origin: germline.
Comment: This sequence change replaces serine, which is neutral and polar, with cysteine, which is neutral and slightly polar, at codon 2190 of the COL12A1 protein (p.Ser2190Cys). This variant is not present in population databases (gnomAD no frequency). This variant has not been reported in the literature in individuals affected with COL12A1-related conditions. Invitae Evidence Modeling of protein sequence and biophysical properties (such as structural, functional, and spatial information, amino acid conservation, physicochemical variation, residue mobility, and thermodynamic stability) indicates that this missense variant is not expected to disrupt COL12A1 protein function with a negative predictive value of 80%. In summary, the available evidence is currently insufficient to determine the role of this variant in disease. Therefore, it has been classified as a Variant of Uncertain Significance.

NM_004370.6(COL12A1):c.6569C>G (p.Ser2190Cys)

Gene: COL12A1 (collagen type XII alpha 1 chain; minus strand). Cytogenetic location: 6q13.
Variant type: single nucleotide variant.
Coding change: c.6569C>G on transcript NM_004370.6 (MANE Select); coding-DNA position 6569, C replaced by G.
Protein change: p.Ser2190Cys; replaces serine 2190 with cysteine.
Molecular consequence: missense variant.
Genome position (GRCh38, 1-based): chr6:75,125,165, G>C on the plus strand (C>G on the coding strand, the complement: COL12A1 is on the minus strand). VCF-style: chr6-75125165-G-C. GRCh37 (hg19) VCF-style: chr6-75834881-G-C.
Other names: c.6569C>G, p.Ser2190Cys (NM_001424113.1); c.6548C>G, p.Ser2183Cys (NM_001424114.1); c.6296C>G, p.Ser2099Cys (NM_001424115.1); c.3077C>G, p.Ser1026Cys (NM_001424116.1, NM_080645.3); short protein forms S2183C, S2190C, S1026C, S2099C.
Identifiers: ClinVar variation 4782478 (VCV004782478.1).